The following is an entry in ClinVar:

NM_002576.5(PAK1):c.1099G>A (p.Ala367Thr)

Gene: PAK1 (p21 (RAC1) activated kinase 1; minus strand). Cytogenetic location: 11q13.5.
Variant type: single nucleotide variant.
Coding change: c.1099G>A on transcript NM_002576.5 (MANE Select); coding-DNA position 1099, G replaced by A.
Protein change: p.Ala367Thr; replaces alanine 367 with threonine.
Molecular consequence: missense variant. On other transcripts: non-coding transcript variant (2).
Genome position (GRCh38, 1-based): chr11:77,340,663, C>T on the plus strand (G>A on the coding strand, the complement: PAK1 is on the minus strand). VCF-style: chr11-77340663-C-T. GRCh37 (hg19) VCF-style: chr11-77051708-C-T.
Other names: c.1099G>A, p.Ala367Thr (NM_001128620.2, NM_001376268.1, NM_001376269.1 and 23 more transcripts); c.1120G>A, p.Ala374Thr (NM_001376272.1); c.1090G>A, p.Ala364Thr (NM_001376294.1); c.922G>A, p.Ala308Thr (NM_001376295.1); c.850G>A, p.Ala284Thr (NM_001376301.1); c.805G>A, p.Ala269Thr (NM_001376302.1, NM_001376304.1, NM_001376305.1); c.811G>A, p.Ala271Thr (NM_001376303.1); short protein forms A269T, A271T, A284T, A308T, A364T, A367T, A374T.
Identifiers: ClinVar variation 3775534 (VCV003775534.1).

ClinVar aggregate classification (germline): Uncertain significance (1 of 4 stars; one submission).

Conditions:
Intellectual developmental disorder with macrocephaly, seizures, and speech delay. Identifiers: MedGen C4748428, MONDO:0032568, OMIM 618158.

Submission:

3billion
Classification: Uncertain significance for Intellectual developmental disorder with macrocephaly, seizures, and speech delay. Last evaluated: 2023-11-20. Review status: criteria provided, single submitter. Criteria: ACMG Guidelines, 2015. Collection method: clinical testing. Allele origin: germline. Affected: yes.
Comment: The variant is not observed in the gnomAD v2.1.1 dataset. Predicted Consequence/Location: Missense changes are a common disease-causing mechanism. Damaging effect on gene or gene product predicted by in silico programs is uncertain [REVEL: 0.56 (damaging >=0.6, benign <0.4), 3Cnet: 0.21 (damaging >=0.6, benign <0.15), Splice AI: 0 (spliceogenicity >=0.2, non-spliceogenicity <0.1)]. Therefore, this variant is classified as VUS according to the recommendation of ACMG/AMP guideline.